The following is an entry in ClinVar:

NM_004132.5(HABP2):c.95G>T (p.Ser32Ile)

Gene: HABP2 (hyaluronan binding protein 2; plus strand). Cytogenetic location: 10q25.3.
Variant type: single nucleotide variant.
Coding change: c.95G>T on transcript NM_004132.5 (MANE Select); coding-DNA position 95, G replaced by T.
Protein change: p.Ser32Ile; replaces serine 32 with isoleucine.
Molecular consequence: missense variant.
Genome position (GRCh38, 1-based): chr10:113,567,514, G>T. VCF-style: chr10-113567514-G-T. GRCh37 (hg19) VCF-style: chr10-115327273-G-T.
Other names: c.17G>T, p.Ser6Ile (NM_001177660.3); short protein forms S32I, S6I.
Identifiers: ClinVar variation 298896 (VCV000298896.34), dbSNP rs61867369, ClinGen allele CA5693449.
Genomic context (GRCh38, chr10:113,567,514, plus strand): 5'-TCAACGCTGATCTGCTGTGTTGTTTTGTTTTTCAGTTCTCCCTGATGTCTTTATTGGAAA[G>T]CCTGGACCCAGGTAAGTGTGCTGATCTCCCTGGGGCTTCCCACCAATCCCAGGCTGGTTC-3'
Protein context (NP_004123.1, residues 22-42): CGFSLMSLLE[Ser32Ile]LDPDWTPDQY

ClinVar aggregate classification (germline): Likely benign. Review status: criteria provided, multiple submitters, no conflicts (2 of 4 stars). 7 submissions from 7 submitters: Likely benign (7). Last evaluated 2025-03-08.

Conditions:
HABP2-related disorder. Also called: HABP2-related condition.
Factor VII-activating protease marburg I. Identifiers: MedGen CN068943.

Allele frequency attached by ClinVar (database versions not stated): 1000 Genomes Project 30x 0.00078; 1000 Genomes Project 0.00100; ExAC 0.00386; gnomAD exomes 0.00419 and 0.00703; gnomAD 0.00452 and 0.00473; TOPMed 0.00484; ESP Exome Variant Server 0.00646.

Submissions (7):

GeneDx
Classification: Likely benign. Last evaluated: 2025-03-08. Review status: criteria provided, single submitter. Criteria: GeneDx Variant Classification Process June 2021. Collection method: clinical testing. Allele origin: germline. Affected: yes.
Comment: See Variant Classification Assertion Criteria.

PreventionGenetics, part of Exact Sciences
Classification: Likely benign for HABP2-related condition. Last evaluated: 2025-01-21. Review status: criteria provided, single submitter. Criteria: ACMG Guidelines, 2015. Collection method: clinical testing. Allele origin: germline.
Comment: This variant is classified as likely benign based on ACMG/AMP sequence variant interpretation guidelines (Richards et al. 2015 PMID: 25741868, with internal and published modifications).

Blueprint Genetics
Classification: Likely benign. Last evaluated: 2024-11-26. Review status: criteria provided, single submitter. Criteria: ACMG Guidelines, 2015. Collection method: clinical testing. Allele origin: germline.

CeGaT Center for Human Genetics Tuebingen
Classification: Likely benign. Last evaluated: 2024-02-01. Review status: criteria provided, single submitter. Criteria: CeGaT Center For Human Genetics Tuebingen Variant Classification Criteria Version 2. Collection method: clinical testing. Allele origin: germline. Affected: yes. Observed: 1 variant allele.
Comment: HABP2: BP4, BS2

Labcorp Genetics (formerly Invitae), Labcorp
Classification: Likely benign. Last evaluated: 2018-06-28. Review status: criteria provided, single submitter. Criteria: Invitae Variant Classification Sherloc (09022015). Collection method: clinical testing. Allele origin: germline.

Illumina Laboratory Services, Illumina
Classification: Likely benign for Factor VII Marburg I Variant Thrombophilia. Last evaluated: 2018-01-13. Review status: criteria provided, single submitter. Criteria: ICSL Variant Classification Criteria 13 December 2019. Collection method: clinical testing. Allele origin: germline.
Comment: This variant was observed in the ICSL laboratory as part of a predisposition screen in an ostensibly healthy population. It had not been previously curated by ICSL or reported in the Human Gene Mutation Database (HGMD: prior to June 1st, 2018), and was therefore a candidate for classification through an automated scoring system. Utilizing variant allele frequency, disease prevalence and penetrance estimates, and inheritance mode, an automated score was calculated to assess if this variant is too frequent to cause the disease. Based on the score and internal cut-off values, a variant classified as likely benign is not then subjected to further curation. The score for this variant resulted in a classification of likely benign for this disease.

Breakthrough Genomics
Classification: Likely benign. Review status: criteria provided, single submitter. Criteria: ACMG Guidelines, 2015. Collection method: not provided. Allele origin: germline. Inheritance: Autosomal dominant inheritance. Affected: yes.